The following is an entry in ClinVar:

NM_015141.4(GPD1L):c.611C>A (p.Ala204Glu)

Gene: GPD1L (glycerol-3-phosphate dehydrogenase 1 like; plus strand). Cytogenetic location: 3p22.3.
Variant type: single nucleotide variant.
Coding change: c.611C>A on transcript NM_015141.4 (MANE Select); coding-DNA position 611, C replaced by A.
Protein change: p.Ala204Glu; replaces alanine 204 with glutamic acid.
Molecular consequence: missense variant.
Genome position (GRCh38, 1-based): chr3:32,146,727, C>A. VCF-style: chr3-32146727-C-A. GRCh37 (hg19) VCF-style: chr3-32188219-C-A.
Other names: short protein forms A204E.
Identifiers: ClinVar variation 4858157 (VCV004858157.1).

ClinVar aggregate classification (germline): Uncertain significance (1 of 4 stars; one submission).

Conditions:
Cardiovascular phenotype. Identifiers: MedGen CN230736.

Submission:

Ambry Genetics
Classification: Uncertain significance for Cardiovascular phenotype. Last evaluated: 2026-05-20. Review status: criteria provided, single submitter. Criteria: Ambry Variant Classification Scheme 2023. Collection method: clinical testing. Allele origin: germline.
Comment: The p.A204E variant (also known as c.611C>A), located in coding exon 5 of the GPD1L gene, results from a C to A substitution at nucleotide position 611. The alanine at codon 204 is replaced by glutamic acid, an amino acid with dissimilar properties. This amino acid position is conserved. In addition, this alteration is predicted to be deleterious by in silico analysis. Based on the available evidence, the clinical significance of this variant remains unclear.